The following is an entry in ClinVar:

ClinVar aggregate classification (germline): Likely benign. Review status: criteria provided, multiple submitters, no conflicts (2 of 4 stars). 5 submissions from 5 submitters: Likely benign (4). 1 of the submissions does not count toward it. Last evaluated 2026-01-24.

Conditions:
Inborn genetic diseases. Identifiers: MedGen C0950123, MeSH D030342.
RSPH1-related disorder. Also called: RSPH1-related condition.
Primary ciliary dyskinesia. Also called: Ciliary dyskinesia. Identifiers: Orphanet 244, MedGen C0008780, MONDO:0016575, HP:0012265.

Allele frequency attached by ClinVar (database versions not stated): TOPMed 0.00040; ESP Exome Variant Server 0.00069; 1000 Genomes Project 30x 0.00187; 1000 Genomes Project 0.00220.
gnomAD v4.1: 1,419 of 1,612,602 alleles (0.088%); highest among the groups gnomAD compares: South Asian, 0.29%; 7 homozygotes.

Submissions (5):

Labcorp Genetics (formerly Invitae), Labcorp
Classification: Likely benign for Primary ciliary dyskinesia. Last evaluated: 2026-01-24. Review status: criteria provided, single submitter. Criteria: Invitae Variant Classification Sherloc (09022015). Collection method: clinical testing. Allele origin: germline.

Mayo Clinic Laboratories, Mayo Clinic
Classification: Likely benign. Last evaluated: 2025-04-10. Review status: criteria provided, single submitter. Criteria: ACMG Guidelines, 2015. Collection method: clinical testing. Allele origin: germline. Observed: 1 variant allele.
Comment: BS1, BP4_moderate

Blueprint Genetics
Classification: Likely benign. Last evaluated: 2024-11-06. Review status: criteria provided, single submitter. Criteria: ACMG Guidelines, 2015. Collection method: clinical testing. Allele origin: germline.

Ambry Genetics
Classification: Likely benign for Inborn genetic diseases. Last evaluated: 2022-01-27. Review status: criteria provided, single submitter. Criteria: Ambry Variant Classification Scheme 2023. Collection method: clinical testing. Allele origin: germline.

PreventionGenetics, part of Exact Sciences
Classification: Likely benign for RSPH1-related condition. Last evaluated: 2024-07-28. Review status: no assertion criteria provided. Collection method: clinical testing. Allele origin: germline. Not counted in ClinVar's aggregate classification.
Comment: This variant is classified as likely benign based on ACMG/AMP sequence variant interpretation guidelines (Richards et al. 2015 PMID: 25741868, with internal and published modifications).

NM_080860.4(RSPH1):c.637C>A (p.Gln213Lys)

Gene: RSPH1 (radial spoke head component 1; minus strand). Cytogenetic location: 21q22.3.
Variant type: single nucleotide variant.
Coding change: c.637C>A on transcript NM_080860.4 (MANE Select); coding-DNA position 637, C replaced by A.
Protein change: p.Gln213Lys; replaces glutamine 213 with lysine.
Molecular consequence: missense variant.
Genome position (GRCh38, 1-based): chr21:42,477,381, G>T on the plus strand (C>A on the coding strand, the complement: RSPH1 is on the minus strand). VCF-style: chr21-42477381-G-T. GRCh37 (hg19) VCF-style: chr21-43897491-G-T.
Other names: p.Gln213Lys; c.637C>A (NM_080860.2); c.523C>A, p.Gln175Lys (NM_001286506.2); short protein forms Q213K, Q175K.
Identifiers: ClinVar variation 241787 (VCV000241787.16), dbSNP rs146298259, ClinGen allele CA10043856.